The following is an entry in ClinVar:

NM_002905.5(RDH5):c.209G>A (p.Arg70Gln)

Genes: BLOC1S1-RDH5 (BLOC1S1-RDH5 readthrough; plus strand), RDH5 (retinol dehydrogenase 5; plus strand). Cytogenetic location: 12q13.2.
Variant type: single nucleotide variant.
Coding change: c.209G>A on transcript NM_002905.5 (MANE Select); coding-DNA position 209, G replaced by A.
Protein change: p.Arg70Gln; replaces arginine 70 with glutamine.
Molecular consequence: missense variant.
Genome position (GRCh38, 1-based): chr12:55,721,393, G>A. VCF-style: chr12-55721393-G-A. GRCh37 (hg19) VCF-style: chr12-56115177-G-A.
Other names: c.209G>A, p.Arg70Gln (NM_001199771.3); short protein forms R70Q.
Identifiers: ClinVar variation 1378244 (VCV001378244.6), dbSNP rs111434594, ClinGen allele CA6616770.

ClinVar aggregate classification (germline): Uncertain significance (1 of 4 stars; one submission).

Allele frequency attached by ClinVar (database versions not stated): gnomAD exomes 0.00002.

Submission:

Labcorp Genetics (formerly Invitae), Labcorp
Classification: Uncertain significance. Last evaluated: 2025-08-21. Review status: criteria provided, single submitter. Criteria: Invitae Variant Classification Sherloc (09022015). Collection method: clinical testing. Allele origin: germline.
Comment: This sequence change replaces arginine, which is basic and polar, with glutamine, which is neutral and polar, at codon 70 of the RDH5 protein (p.Arg70Gln). This variant is present in population databases (rs111434594, gnomAD 0.007%). This variant has not been reported in the literature in individuals affected with RDH5-related conditions. ClinVar contains an entry for this variant (Variation ID: 1378244). An algorithm developed to predict the effect of missense changes on protein structure and function outputs the following: PolyPhen-2: "Benign". The glutamine amino acid residue is found in multiple mammalian species, which suggests that this missense change does not adversely affect protein function. In summary, the available evidence is currently insufficient to determine the role of this variant in disease. Therefore, it has been classified as a Variant of Uncertain Significance.